The following is an entry in ClinVar:

ClinVar aggregate classification (germline): Benign. Review status: criteria provided, multiple submitters, no conflicts (2 of 4 stars). 7 submissions from 7 submitters: Benign (7). Last evaluated 2026-02-03.

Conditions:
Weaver syndrome (WVS). Also called: Weaver Smith syndrome; Overgrowth syndrome with accelerated skeletal maturation, unusual facies, and camptodactyly. Identifiers: Orphanet 3447, MedGen C0265210, MONDO:0010193, OMIM 277590.

Allele frequency attached by ClinVar (database versions not stated): ESP Exome Variant Server 0.04267; gnomAD 0.04917 and 0.05038; 1000 Genomes Project 0.05052; 1000 Genomes Project 30x 0.05153; TOPMed 0.05520.
gnomAD v4.1: 91,026 of 1,600,172 alleles (5.7%); highest among the groups gnomAD compares: Admixed American, 16%; 3,257 homozygotes.

Submissions 1 to 31 of 111:

Labcorp Genetics (formerly Invitae), Labcorp
Classification: Benign for Weaver syndrome. Last evaluated: 2026-02-03. Review status: criteria provided, single submitter. Criteria: Invitae Variant Classification Sherloc (09022015). Collection method: clinical testing. Allele origin: germline.

Blueprint Genetics
Classification: Benign. Last evaluated: 2024-11-27. Review status: criteria provided, single submitter. Criteria: ACMG Guidelines, 2015. Collection method: clinical testing. Allele origin: germline.

Eurofins Ntd Llc (ga)
Classification: Benign. Last evaluated: 2014-11-19. Review status: criteria provided, single submitter. Criteria: EGL Classification Definitions 2015. Collection method: clinical testing. Allele origin: germline. Observed: 2 variant alleles, 2 heterozygotes.

GeneDx
Classification: Benign. Last evaluated: 2014-03-07. Review status: criteria provided, single submitter. Criteria: GeneDx Variant Classification (06012015). Collection method: clinical testing. Allele origin: germline. Affected: yes.
Comment: This variant is considered likely benign or benign based on one or more of the following criteria: it is a conservative change, it occurs at a poorly conserved position in the protein, it is predicted to be benign by multiple in silico algorithms, and/or has population frequency not consistent with disease.

Genetic Services Laboratory, University of Chicago
Classification: Benign. Last evaluated: 2013-02-08. Review status: criteria provided, single submitter. Criteria: ACMG Guidelines, 2007. Collection method: clinical testing. Allele origin: germline. Inheritance: Autosomal dominant inheritance.

Breakthrough Genomics
Classification: Benign. Review status: criteria provided, single submitter. Criteria: ACMG Guidelines, 2015. Collection method: not provided. Allele origin: germline. Inheritance: Autosomal dominant inheritance. Affected: yes.

PreventionGenetics, part of Exact Sciences
Classification: Benign. Review status: criteria provided, single submitter. Criteria: ACMG Guidelines, 2015. Collection method: clinical testing. Allele origin: germline.

Dr. Peter K. Rogan Lab, Western University
No classification provided (evidence only). Condition: Acute myeloid leukemia. Review status: no classification provided. Collection method: in vitro. Allele origin: not applicable. Functional consequence: retained intron. Not counted in ClinVar's aggregate classification.

Dr. Peter K. Rogan Lab, Western University
No classification provided (evidence only). Condition: Acute myeloid leukemia. Review status: no classification provided. Collection method: in vitro. Allele origin: not applicable. Functional consequence: retained intron. Not counted in ClinVar's aggregate classification.

Dr. Peter K. Rogan Lab, Western University
No classification provided (evidence only). Condition: Acute myeloid leukemia. Review status: no classification provided. Collection method: in vitro. Allele origin: not applicable. Functional consequence: retained intron. Not counted in ClinVar's aggregate classification.

Dr. Peter K. Rogan Lab, Western University
No classification provided (evidence only). Condition: Acute myeloid leukemia. Review status: no classification provided. Collection method: in vitro. Allele origin: not applicable. Functional consequence: retained intron. Not counted in ClinVar's aggregate classification.

Dr. Peter K. Rogan Lab, Western University
No classification provided (evidence only). Condition: Acute myeloid leukemia. Review status: no classification provided. Collection method: in vitro. Allele origin: not applicable. Functional consequence: retained intron. Not counted in ClinVar's aggregate classification.

Dr. Peter K. Rogan Lab, Western University
No classification provided (evidence only). Condition: Acute myeloid leukemia. Review status: no classification provided. Collection method: in vitro. Allele origin: not applicable. Functional consequence: retained intron. Not counted in ClinVar's aggregate classification.

Dr. Peter K. Rogan Lab, Western University
No classification provided (evidence only). Condition: Acute myeloid leukemia. Review status: no classification provided. Collection method: in vitro. Allele origin: not applicable. Functional consequence: retained intron. Not counted in ClinVar's aggregate classification.

Dr. Peter K. Rogan Lab, Western University
No classification provided (evidence only). Condition: Acute myeloid leukemia. Review status: no classification provided. Collection method: in vitro. Allele origin: not applicable. Functional consequence: retained intron. Not counted in ClinVar's aggregate classification.

Dr. Peter K. Rogan Lab, Western University
No classification provided (evidence only). Condition: Acute myeloid leukemia. Review status: no classification provided. Collection method: in vitro. Allele origin: not applicable. Functional consequence: retained intron. Not counted in ClinVar's aggregate classification.

Dr. Peter K. Rogan Lab, Western University
No classification provided (evidence only). Condition: Acute myeloid leukemia. Review status: no classification provided. Collection method: in vitro. Allele origin: not applicable. Functional consequence: retained intron. Not counted in ClinVar's aggregate classification.

Dr. Peter K. Rogan Lab, Western University
No classification provided (evidence only). Condition: Acute myeloid leukemia. Review status: no classification provided. Collection method: in vitro. Allele origin: not applicable. Functional consequence: retained intron. Not counted in ClinVar's aggregate classification.

Dr. Peter K. Rogan Lab, Western University
No classification provided (evidence only). Condition: Acute myeloid leukemia. Review status: no classification provided. Collection method: in vitro. Allele origin: not applicable. Functional consequence: retained intron. Not counted in ClinVar's aggregate classification.

Dr. Peter K. Rogan Lab, Western University
No classification provided (evidence only). Condition: Acute myeloid leukemia. Review status: no classification provided. Collection method: in vitro. Allele origin: not applicable. Functional consequence: retained intron. Not counted in ClinVar's aggregate classification.

Dr. Peter K. Rogan Lab, Western University
No classification provided (evidence only). Condition: Acute myeloid leukemia. Review status: no classification provided. Collection method: in vitro. Allele origin: not applicable. Functional consequence: skipped exon, retained intron. Not counted in ClinVar's aggregate classification.

Dr. Peter K. Rogan Lab, Western University
No classification provided (evidence only). Condition: Uterine corpus endometrial carcinoma. Review status: no classification provided. Collection method: in vitro. Allele origin: not applicable. Functional consequence: retained intron. Not counted in ClinVar's aggregate classification.

Dr. Peter K. Rogan Lab, Western University
No classification provided (evidence only). Condition: Uterine corpus endometrial carcinoma. Review status: no classification provided. Collection method: in vitro. Allele origin: not applicable. Functional consequence: retained intron. Not counted in ClinVar's aggregate classification.

Dr. Peter K. Rogan Lab, Western University
No classification provided (evidence only). Condition: Uterine corpus endometrial carcinoma. Review status: no classification provided. Collection method: in vitro. Allele origin: not applicable. Functional consequence: retained intron. Not counted in ClinVar's aggregate classification.

Dr. Peter K. Rogan Lab, Western University
No classification provided (evidence only). Condition: Uterine corpus endometrial carcinoma. Review status: no classification provided. Collection method: in vitro. Allele origin: not applicable. Functional consequence: retained intron. Not counted in ClinVar's aggregate classification.

Dr. Peter K. Rogan Lab, Western University
No classification provided (evidence only). Condition: Uterine corpus endometrial carcinoma. Review status: no classification provided. Collection method: in vitro. Allele origin: not applicable. Functional consequence: retained intron. Not counted in ClinVar's aggregate classification.

Dr. Peter K. Rogan Lab, Western University
No classification provided (evidence only). Condition: Uterine corpus endometrial carcinoma. Review status: no classification provided. Collection method: in vitro. Allele origin: not applicable. Functional consequence: retained intron. Not counted in ClinVar's aggregate classification.

Dr. Peter K. Rogan Lab, Western University
No classification provided (evidence only). Condition: Uterine corpus endometrial carcinoma. Review status: no classification provided. Collection method: in vitro. Allele origin: not applicable. Functional consequence: retained intron. Not counted in ClinVar's aggregate classification.

Dr. Peter K. Rogan Lab, Western University
No classification provided (evidence only). Condition: Sarcoma. Review status: no classification provided. Collection method: in vitro. Allele origin: not applicable. Functional consequence: retained intron. Not counted in ClinVar's aggregate classification.

Dr. Peter K. Rogan Lab, Western University
No classification provided (evidence only). Condition: Sarcoma. Review status: no classification provided. Collection method: in vitro. Allele origin: not applicable. Functional consequence: retained intron. Not counted in ClinVar's aggregate classification.

Dr. Peter K. Rogan Lab, Western University
No classification provided (evidence only). Condition: Sarcoma. Review status: no classification provided. Collection method: in vitro. Allele origin: not applicable. Functional consequence: retained intron. Not counted in ClinVar's aggregate classification.

NM_004456.5(EZH2):c.2110+6T>G

Gene: EZH2 (enhancer of zeste 2 polycomb repressive complex 2 subunit; minus strand). Cytogenetic location: 7q36.1.
Variant type: single nucleotide variant.
Coding change: c.2110+6T>G on transcript NM_004456.5 (MANE Select); 6 bases into the intron after coding-DNA position 2110, T replaced by G.
Molecular consequence: intron variant.
Genome position (GRCh38, 1-based): chr7:148,809,304, A>C on the plus strand (T>G on the coding strand, the complement: EZH2 is on the minus strand). VCF-style: chr7-148809304-A-C. GRCh37 (hg19) VCF-style: chr7-148506396-A-C.
Other names: c.2068+6T>G (NM_001203248.2); c.1978+6T>G (NM_152998.3); c.2095+6T>G (NM_001203247.2); c.1942+6T>G (NM_001203249.2).
Identifiers: ClinVar variation 137273 (VCV000137273.23), dbSNP rs41277434, ClinGen allele CA172172.
Genomic context (GRCh38, chr7:148,809,304, plus strand): 5'-AAGTATTCAAGTCCATCATCACAGGACTGAAAAGGGAGTTCCAATTCTCACGTCAAAGGT[A>C]CCTACCTTTTGCATAGCAGTTTGGATTTACCGAATGATTTGCAAAACGAATTTTGTTACC-3'